The following is an entry in ClinVar:

NM_004168.4(SDHA):c.1183G>C (p.Val395Leu)

Gene: SDHA (succinate dehydrogenase complex flavoprotein subunit A; plus strand). Cytogenetic location: 5p15.33.
Variant type: single nucleotide variant.
Coding change: c.1183G>C on transcript NM_004168.4 (MANE Select); coding-DNA position 1183, G replaced by C.
Protein change: p.Val395Leu; replaces valine 395 with leucine.
Molecular consequence: missense variant.
Genome position (GRCh38, 1-based): chr5:235,262, G>C. VCF-style: chr5-235262-G-C. GRCh37 (hg19) VCF-style: chr5-235377-G-C.
Other names: c.1039G>C, p.Val347Leu (NM_001294332.2); c.1183G>C, p.Val395Leu (NM_001330758.2); short protein forms V347L, V395L.
Identifiers: ClinVar variation 3438685 (VCV003438685.1).

ClinVar aggregate classification (germline): Uncertain significance (1 of 4 stars; one submission).

Conditions:
Hereditary cancer-predisposing syndrome. Also called: Tumor predisposition; Neoplastic Syndromes, Hereditary; Hereditary neoplastic syndrome; Hereditary Cancer Syndrome. Identifiers: Orphanet 140162, MedGen C0027672, MeSH D009386, MONDO:0015356.

Submission:

Ambry Genetics
Classification: Uncertain significance for Hereditary cancer-predisposing syndrome. Last evaluated: 2024-07-16. Review status: criteria provided, single submitter. Criteria: Ambry Variant Classification Scheme 2023. Collection method: clinical testing. Allele origin: germline.
Comment: The p.V395L variant (also known as c.1183G>C), located in coding exon 9 of the SDHA gene, results from a G to C substitution at nucleotide position 1183. The valine at codon 395 is replaced by leucine, an amino acid with highly similar properties. This amino acid position is conserved. In addition, the in silico prediction for this alteration is inconclusive. Based on the available evidence, the clinical significance of this variant remains unclear.